The following is an entry in ClinVar:

NM_014055.4(IFT81):c.1245T>A (p.His415Gln)

Gene: IFT81 (intraflagellar transport 81; plus strand). Cytogenetic location: 12q24.11.
Variant type: single nucleotide variant.
Coding change: c.1245T>A on transcript NM_014055.4 (MANE Select); coding-DNA position 1245, T replaced by A.
Protein change: p.His415Gln; replaces histidine 415 with glutamine.
Molecular consequence: missense variant. On other transcripts: non-coding transcript variant (4).
Genome position (GRCh38, 1-based): chr12:110,180,478, T>A. VCF-style: chr12-110180478-T-A. GRCh37 (hg19) VCF-style: chr12-110618283-T-A.
Other names: c.1245T>A, p.His415Gln (NM_001143779.2); c.315T>A, p.His105Gln (NM_001347947.2, NM_001347948.2); short protein forms H105Q, H415Q.
Identifiers: ClinVar variation 1432609 (VCV001432609.8), dbSNP rs2137517287, ClinGen allele CA386916799.
Genomic context (GRCh38, chr12:110,180,478, plus strand): 5'-ACAGTTCAAACGATATGTCAATAAACTTCGAAGCAAGAGTACAGTTTTCAAAAAGAAGCA[T>A]CAGATAATAGCTGAACTTAAAGCTGAATTCGGTCTTTTGCAGAGGACTGAAGAACTTCTT-3'
Protein context (NP_054774.2, residues 405-425): RSKSTVFKKK[His415Gln]QIIAELKAEF

ClinVar aggregate classification (germline): Uncertain significance (1 of 4 stars; one submission).

Submission:

Labcorp Genetics (formerly Invitae), Labcorp
Classification: Uncertain significance. Last evaluated: 2021-01-06. Review status: criteria provided, single submitter. Criteria: Invitae Variant Classification Sherloc (09022015). Collection method: clinical testing. Allele origin: germline.
Comment: In summary, the available evidence is currently insufficient to determine the role of this variant in disease. Therefore, it has been classified as a Variant of Uncertain Significance. Algorithms developed to predict the effect of missense changes on protein structure and function (SIFT, PolyPhen-2, Align-GVGD) all suggest that this variant is likely to be tolerated, but these predictions have not been confirmed by published functional studies and their clinical significance is uncertain. This variant has not been reported in the literature in individuals with IFT81-related conditions. This variant is not present in population databases (ExAC no frequency). This sequence change replaces histidine with glutamine at codon 415 of the IFT81 protein (p.His415Gln). The histidine residue is moderately conserved and there is a small physicochemical difference between histidine and glutamine.